The following is an entry in ClinVar:

ClinVar aggregate classification (germline): Conflicting classifications of pathogenicity. Review status: criteria provided, conflicting classifications (1 of 4 stars). 6 submissions from 6 submitters: Uncertain significance (1); Likely benign (4). 1 of the submissions does not count toward it. Last evaluated 2025-12-31.

Conditions:
Inborn genetic diseases. Identifiers: MedGen C0950123, MeSH D030342.
Joubert syndrome 14 (JBTS14). Identifiers: MedGen C3280766, MONDO:0013745, OMIM 614424.
TMEM237-related disorder. Also called: TMEM237-related condition.

Allele frequency attached by ClinVar (database versions not stated): ESP Exome Variant Server 0.00008; TOPMed 0.00014; gnomAD 0.00029 and 0.00031; gnomAD exomes 0.00032 and 0.00039; ExAC 0.00047.
gnomAD v4.1: 510 of 1,607,202 alleles (0.032%); highest among the groups gnomAD compares: Middle Eastern, 0.033%; 2 homozygotes.

Submissions (6):

Labcorp Genetics (formerly Invitae), Labcorp
Classification: Likely benign for Joubert syndrome 14. Last evaluated: 2025-12-31. Review status: criteria provided, single submitter. Criteria: Invitae Variant Classification Sherloc (09022015). Collection method: clinical testing. Allele origin: germline.

Blueprint Genetics
Classification: Likely benign. Last evaluated: 2024-09-11. Review status: criteria provided, single submitter. Criteria: ACMG Guidelines, 2015. Collection method: clinical testing. Allele origin: germline.

Ambry Genetics
Classification: Likely benign for Inborn genetic diseases. Last evaluated: 2022-05-16. Review status: criteria provided, single submitter. Criteria: Ambry Variant Classification Scheme 2023. Collection method: clinical testing. Allele origin: germline.

GeneDx
Classification: Likely benign. Last evaluated: 2021-04-04. Review status: criteria provided, single submitter. Criteria: GeneDx Variant Classification Process June 2021. Collection method: clinical testing. Allele origin: germline. Affected: yes.

Department of Pathology and Laboratory Medicine, Sinai Health System
Classification: Uncertain significance for Joubert syndrome 14. Last evaluated: 2020-08-06. Review status: criteria provided, single submitter. Criteria: ACMG Guidelines, 2015. Collection method: research. Allele origin: germline.

PreventionGenetics, part of Exact Sciences
Classification: Likely benign for TMEM237-related condition. Last evaluated: 2022-09-01. Review status: no assertion criteria provided. Collection method: clinical testing. Allele origin: germline. Not counted in ClinVar's aggregate classification.
Comment: This variant is classified as likely benign based on ACMG/AMP sequence variant interpretation guidelines (Richards et al. 2015 PMID: 25741868, with internal and published modifications).

NM_001044385.3(TMEM237):c.176G>A (p.Arg59Gln)

Gene: TMEM237 (transmembrane protein 237; minus strand). Cytogenetic location: 2q33.1.
Variant type: single nucleotide variant.
Coding change: c.176G>A on transcript NM_001044385.3 (MANE Select); coding-DNA position 176, G replaced by A.
Protein change: p.Arg59Gln; replaces arginine 59 with glutamine.
Molecular consequence: missense variant.
Genome position (GRCh38, 1-based): chr2:201,636,846, C>T on the plus strand (G>A on the coding strand, the complement: TMEM237 is on the minus strand). VCF-style: chr2-201636846-C-T. GRCh37 (hg19) VCF-style: chr2-202501569-C-T.
Other names: c.176G>A (NM_001044385.1); c.152G>A, p.Arg51Gln (NM_152388.4); short protein forms R59Q, R51Q.
Identifiers: ClinVar variation 708677 (VCV000708677.16), dbSNP rs199624987, ClinGen allele CA2056554.